The following is an entry in ClinVar:

ClinVar aggregate classification (germline): Conflicting classifications of pathogenicity. Review status: criteria provided, conflicting classifications (1 of 4 stars). 6 submissions from 6 submitters: Uncertain significance (5); Likely benign (1). Last evaluated 2025-10-22.

Conditions:
Progressive sclerosing poliodystrophy (MTDPS4A). Also called: Alpers-Huttenlocher Syndrome (AHS); NEURONAL DEGENERATION OF CHILDHOOD WITH LIVER DISEASE, PROGRESSIVE; ALPERS DIFFUSE DEGENERATION OF CEREBRAL GRAY MATTER WITH HEPATIC CIRRHOSIS; Alpers-Huttenlocher Syndrome; Mitochondrial DNA depletion syndrome 4A (Alpers type); Alpers Syndrome. Identifiers: Orphanet 726, MedGen C0205710, MONDO:0008758, OMIM 203700.

Allele frequency attached by ClinVar (database versions not stated): ExAC 0.00004; gnomAD exomes 0.00004 and 0.00010; gnomAD 0.00007 and 0.00008; TOPMed 0.00008.
gnomAD v4.1: 154 of 1,572,026 alleles (0.0098%); highest among the groups gnomAD compares: Non-Finnish European, 0.012%; no homozygotes.

Submissions (6):

Mayo Clinic Laboratories, Mayo Clinic
Classification: Uncertain significance. Last evaluated: 2025-10-22. Review status: criteria provided, single submitter. Criteria: ACMG Guidelines, 2015. Collection method: clinical testing. Allele origin: germline. Observed: 2 variant alleles.
Comment: BP4_moderate

Labcorp Genetics (formerly Invitae), Labcorp
Classification: Uncertain significance for Progressive sclerosing poliodystrophy. Last evaluated: 2025-08-20. Review status: criteria provided, single submitter. Criteria: Invitae Variant Classification Sherloc (09022015). Collection method: clinical testing. Allele origin: germline.
Comment: This sequence change replaces aspartic acid, which is acidic and polar, with glycine, which is neutral and non-polar, at codon 133 of the POLG protein (p.Asp133Gly). This variant is present in population databases (rs540905618, gnomAD 0.01%). This variant has not been reported in the literature in individuals affected with POLG-related conditions. ClinVar contains an entry for this variant (Variation ID: 458719). Invitae Evidence Modeling of protein sequence and biophysical properties (such as structural, functional, and spatial information, amino acid conservation, physicochemical variation, residue mobility, and thermodynamic stability) indicates that this missense variant is not expected to disrupt POLG protein function with a negative predictive value of 95%. In summary, the available evidence is currently insufficient to determine the role of this variant in disease. Therefore, it has been classified as a Variant of Uncertain Significance.

CeGaT Center for Human Genetics Tuebingen
Classification: Uncertain significance. Last evaluated: 2025-06-01. Review status: criteria provided, single submitter. Criteria: CeGaT Center For Human Genetics Tuebingen Variant Classification Criteria Version 2. Collection method: clinical testing. Allele origin: germline. Affected: yes. Observed: 2 variant alleles.
Comment: POLG: PM2

Blueprint Genetics
Classification: Likely benign. Last evaluated: 2024-02-05. Review status: criteria provided, single submitter. Criteria: ACMG Guidelines, 2015. Collection method: clinical testing. Allele origin: germline.

GeneDx
Classification: Uncertain significance. Last evaluated: 2023-12-14. Review status: criteria provided, single submitter. Criteria: GeneDx Variant Classification Process June 2021. Collection method: clinical testing. Allele origin: germline. Affected: yes.
Comment: Not observed at significant frequency in large population cohorts (gnomAD); In silico analysis supports that this missense variant does not alter protein structure/function; Has not been previously published as pathogenic or benign to our knowledge

Revvity Omics, Revvity
Classification: Uncertain significance. Last evaluated: 2021-12-09. Review status: criteria provided, single submitter. Criteria: ACMG Guidelines, 2015. Collection method: clinical testing. Allele origin: germline.

NM_002693.3(POLG):c.398A>G (p.Asp133Gly)

Genes: POLG (DNA polymerase gamma, catalytic subunit; minus strand), POLGARF (POLG alternative reading frame; minus strand). Cytogenetic location: 15q26.1.
Variant type: single nucleotide variant.
Coding change: c.398A>G on transcript NM_002693.3 (MANE Select); coding-DNA position 398, A replaced by G.
Protein change: p.Asp133Gly; replaces aspartic acid 133 with glycine.
Molecular consequence: missense variant.
Genome position (GRCh38, 1-based): chr15:89,333,357, T>C on the plus strand (A>G on the coding strand, the complement: POLG is on the minus strand). VCF-style: chr15-89333357-T-C. GRCh37 (hg19) VCF-style: chr15-89876588-T-C.
Other names: p.Asp133Gly; c.398A>G, p.Asp133Gly (NM_001126131.2); short protein forms D133G.
Identifiers: ClinVar variation 458719 (VCV000458719.54), dbSNP rs540905618, ClinGen allele CA7725120.